The following is an entry in ClinVar:

ClinVar aggregate classification (germline): Uncertain significance (1 of 4 stars; one submission).

Conditions:
Inborn genetic diseases. Identifiers: MedGen C0950123, MeSH D030342.

Submission:

Ambry Genetics
Classification: Uncertain significance for Inborn genetic diseases. Last evaluated: 2025-11-04. Review status: criteria provided, single submitter. Criteria: Ambry Variant Classification Scheme 2023. Collection method: clinical testing. Allele origin: germline.
Comment: The p.P735L variant (also known as c.2204C>T), located in coding exon 17 of the BUB1B gene, results from a C to T substitution at nucleotide position 2204. The proline at codon 735 is replaced by leucine, an amino acid with similar properties. This amino acid position is conserved. In addition, this alteration is predicted to be tolerated by in silico analysis. Based on the available evidence, the clinical significance of this variant remains unclear.

NM_001211.6(BUB1B):c.2204C>T (p.Pro735Leu)

Gene: BUB1B (BUB1 mitotic checkpoint serine/threonine kinase B; plus strand). Cytogenetic location: 15q15.1.
Variant type: single nucleotide variant.
Coding change: c.2204C>T on transcript NM_001211.6 (MANE Select); coding-DNA position 2204, C replaced by T.
Protein change: p.Pro735Leu; replaces proline 735 with leucine.
Molecular consequence: missense variant.
Genome position (GRCh38, 1-based): chr15:40,209,695, C>T. VCF-style: chr15-40209695-C-T. GRCh37 (hg19) VCF-style: chr15-40501896-C-T.
Other names: short protein forms P735L.
Identifiers: ClinVar variation 4600495 (VCV004600495.1).